The following is an entry in ClinVar:

NM_014780.5(CUL7):c.2638A>G (p.Met880Val)

Gene: CUL7 (cullin 7; minus strand). Cytogenetic location: 6p21.1.
Variant type: single nucleotide variant.
Coding change: c.2638A>G on transcript NM_014780.5 (MANE Select); coding-DNA position 2638, A replaced by G.
Protein change: p.Met880Val; replaces methionine 880 with valine.
Molecular consequence: missense variant.
Genome position (GRCh38, 1-based): chr6:43,046,258, T>C on the plus strand (A>G on the coding strand, the complement: CUL7 is on the minus strand). VCF-style: chr6-43046258-T-C. GRCh37 (hg19) VCF-style: chr6-43013996-T-C.
Other names: c.2734A>G, p.Met912Val (NM_001168370.2, NM_001374872.1); c.2638A>G, p.Met880Val (NM_001374873.1, NM_001374874.1); short protein forms M880V, M912V.
Identifiers: ClinVar variation 2173457 (VCV002173457.4), dbSNP rs376233208, ClinGen allele CA3813779.

ClinVar aggregate classification (germline): Uncertain significance (1 of 4 stars; one submission).

Allele frequency attached by ClinVar (database versions not stated): gnomAD 0.00001; ESP Exome Variant Server 0.00008.
gnomAD v4.1: 10 of 1,614,202 alleles (0.00062%); highest among the groups gnomAD compares: African/African-American, 0.0053%; no homozygotes.

Submission:

Labcorp Genetics (formerly Invitae), Labcorp
Classification: Uncertain significance. Last evaluated: 2022-06-05. Review status: criteria provided, single submitter. Criteria: Invitae Variant Classification Sherloc (09022015). Collection method: clinical testing. Allele origin: germline.
Comment: Algorithms developed to predict the effect of missense changes on protein structure and function are either unavailable or do not agree on the potential impact of this missense change (SIFT: "Deleterious"; PolyPhen-2: "Probably Damaging"; Align-GVGD: "Class C0"). This variant has not been reported in the literature in individuals affected with CUL7-related conditions. This variant is present in population databases (rs376233208, gnomAD 0.007%). This sequence change replaces methionine, which is neutral and non-polar, with valine, which is neutral and non-polar, at codon 880 of the CUL7 protein (p.Met880Val). In summary, the available evidence is currently insufficient to determine the role of this variant in disease. Therefore, it has been classified as a Variant of Uncertain Significance.